The following is an entry in ClinVar:

NM_000032.5(ALAS2):c.685A>T (p.Ile229Phe)

Gene: ALAS2 (5'-aminolevulinate synthase 2; minus strand). Cytogenetic location: Xp11.21.
Variant type: single nucleotide variant.
Coding change: c.685A>T on transcript NM_000032.5 (MANE Select); coding-DNA position 685, A replaced by T.
Protein change: p.Ile229Phe; replaces isoleucine 229 with phenylalanine.
Molecular consequence: missense variant.
Genome position (GRCh38, 1-based): chrX:55,020,458, T>A on the plus strand (A>T on the coding strand, the complement: ALAS2 is on the minus strand). VCF-style: chrX-55020458-T-A. GRCh37 (hg19) VCF-style: chrX-55046891-T-A.
Other names: c.574A>T, p.Ile192Phe (NM_001037967.4); c.646A>T, p.Ile216Phe (NM_001037968.4); short protein forms I192F, I216F, I229F.
Identifiers: ClinVar variation 4801057 (VCV004801057.1).

ClinVar aggregate classification (germline): Uncertain significance (1 of 4 stars; one submission).

Submission:

Labcorp Genetics (formerly Invitae), Labcorp
Classification: Uncertain significance. Last evaluated: 2025-10-16. Review status: criteria provided, single submitter. Criteria: Invitae Variant Classification Sherloc (09022015). Collection method: clinical testing. Allele origin: germline.
Comment: This sequence change replaces isoleucine, which is neutral and non-polar, with phenylalanine, which is neutral and non-polar, at codon 229 of the ALAS2 protein (p.Ile229Phe). This variant is not present in population databases (gnomAD no frequency). This variant has not been reported in the literature in individuals affected with ALAS2-related conditions. Invitae Evidence Modeling of protein sequence and biophysical properties (such as structural, functional, and spatial information, amino acid conservation, physicochemical variation, residue mobility, and thermodynamic stability) has been performed for this missense variant. However, the output from this modeling did not meet the statistical confidence thresholds required to predict the impact of this variant on ALAS2 protein function. In summary, the available evidence is currently insufficient to determine the role of this variant in disease. Therefore, it has been classified as a Variant of Uncertain Significance.